The following is an entry in ClinVar:

ClinVar aggregate classification (germline): Conflicting classifications of pathogenicity. Review status: criteria provided, conflicting classifications (1 of 4 stars). 3 submissions from 3 submitters: Uncertain significance (1); Likely benign (2). Last evaluated 2024-08-05.

Conditions:
Pyruvate dehydrogenase E1-alpha deficiency (PDHAD). Also called: ATAXIA, INTERMITTENT, WITH PYRUVATE DEHYDROGENASE DEFICIENCY; ATAXIA WITH LACTIC ACIDOSIS I; ATAXIA, INTERMITTENT, WITH ABNORMAL PYRUVATE METABOLISM; Ataxia, intermittent, with pyruvate dehydrogenase, or decarboxylase, deficiency. Identifiers: Orphanet 79243, MedGen C1839413, MONDO:0010717, OMIM 312170.
Inborn genetic diseases. Identifiers: MedGen C0950123, MeSH D030342.

Allele frequency attached by ClinVar (database versions not stated): ExAC 0.00001; gnomAD exomes 0.00001 and 0.00002; TOPMed 0.00004; gnomAD 0.00006 and 0.00007; 1000 Genomes Project 0.00026; 1000 Genomes Project 30x 0.00062.
gnomAD v4.1: 26 of 1,206,890 alleles (0.0022%); highest among the groups gnomAD compares: Admixed American, 0.02%; no homozygotes.

Submissions (3):

Labcorp Genetics (formerly Invitae), Labcorp
Classification: Uncertain significance for Pyruvate dehydrogenase E1-alpha deficiency. Last evaluated: 2024-08-05. Review status: criteria provided, single submitter. Criteria: Invitae Variant Classification Sherloc (09022015). Collection method: clinical testing. Allele origin: germline.
Comment: This sequence change replaces alanine, which is neutral and non-polar, with threonine, which is neutral and polar, at codon 6 of the PDHA1 protein (p.Ala6Thr). The frequency data for this variant in the population databases is considered unreliable, as metrics indicate poor data quality at this position in the gnomAD database. This variant has not been reported in the literature in individuals affected with PDHA1-related conditions. ClinVar contains an entry for this variant (Variation ID: 803731). Advanced modeling of protein sequence and biophysical properties (such as structural, functional, and spatial information, amino acid conservation, physicochemical variation, residue mobility, and thermodynamic stability) has been performed at Invitae for this missense variant, however the output from this modeling did not meet the statistical confidence thresholds required to predict the impact of this variant on PDHA1 protein function. In summary, the available evidence is currently insufficient to determine the role of this variant in disease. Therefore, it has been classified as a Variant of Uncertain Significance.

Ambry Genetics
Classification: Likely benign for Inborn genetic diseases. Last evaluated: 2023-12-18. Review status: criteria provided, single submitter. Criteria: Ambry Variant Classification Scheme 2023. Collection method: clinical testing. Allele origin: germline.

Mendelics
Classification: Likely benign for Pyruvate dehydrogenase E1-alpha deficiency. Last evaluated: 2019-05-28. Review status: criteria provided, single submitter. Criteria: Mendelics Assertion Criteria 2017. Collection method: clinical testing. Allele origin: unknown.

NM_000284.4(PDHA1):c.16G>A (p.Ala6Thr)

Gene: PDHA1 (pyruvate dehydrogenase E1 subunit alpha 1; plus strand). Cytogenetic location: Xp22.12.
Variant type: single nucleotide variant.
Coding change: c.16G>A on transcript NM_000284.4 (MANE Select); coding-DNA position 16, G replaced by A.
Protein change: p.Ala6Thr; replaces alanine 6 with threonine.
Molecular consequence: missense variant.
Genome position (GRCh38, 1-based): chrX:19,344,053, G>A. VCF-style: chrX-19344053-G-A. GRCh37 (hg19) VCF-style: chrX-19362171-G-A.
Other names: c.16G>A, p.Ala6Thr (NM_001173454.2, NM_001173455.2, NM_001173456.2); c.16G>A (NM_000284.3); short protein forms A6T.
Identifiers: ClinVar variation 803731 (VCV000803731.5), dbSNP rs768396832, ClinGen allele CA10362907.
Genomic context (GRCh38, chrX:19,344,053, plus strand): 5'-TCCTGGGTTGTGAGGAGTCGCCGCTGCCGCCACTGCCTGTGCTTCATGAGGAAGATGCTC[G>A]CCGCCGTCTCCCGCGTGCTGTCTGGCGCTTCTCAGAAGCCGGTGAGACCTCCCGGGCGGG-3'
Protein context (NP_000275.1, residues 1-16): MRKML[Ala6Thr]AVSRVLSGAS